The following is an entry in ClinVar:

NM_001206927.2(DNAH8):c.8130_8132del (p.Met2710_Phe2711delinsIle)

Gene: DNAH8 (dynein axonemal heavy chain 8; plus strand). Cytogenetic location: 6p21.2.
Variant type: Deletion.
Coding change: c.8130_8132del on transcript NM_001206927.2 (MANE Select); coding-DNA positions 8130 to 8132, 3 bases deleted (GTT; older notation c.8130_8132delGTT).
Protein change: p.Met2710_Phe2711delinsIle.
Molecular consequence: inframe indel.
Genome position (GRCh38, 1-based): chr6:38,883,450-38,883,452, GTT deleted; deleting any 3 consecutive bases within chr6:38,883,449-38,883,452 gives the same sequence; the c. name uses the placement nearest the transcript's 3' end. VCF-style (leftmost placement, unchanged base first): chr6-38883448-ATGT-A. GRCh37 (hg19) VCF-style: chr6-38851224-ATGT-A.
Other names: c.7479_7481del, p.Met2493_Phe2494delinsIle (NM_001371.4).
Identifiers: ClinVar variation 2853870 (VCV002853870.3), dbSNP rs2533205929, ClinGen allele CA2678598759.
Genomic context (GRCh38, chr6:38,883,448, plus strand): 5'-TATGATCCTGAAGTACAGCTATCCAAAAGTCTAAACTTTTCATCTGCCACAGAACCAATG[ATGT>A]TTCAGGTGAAATCCATCATTTGCTGTAATATTATAAACATAATACATTTTAAATTAGTGG-3'

ClinVar aggregate classification (germline): Uncertain significance (1 of 4 stars; one submission).

Conditions:
Primary ciliary dyskinesia. Also called: Ciliary dyskinesia. Identifiers: Orphanet 244, MedGen C0008780, MONDO:0016575, HP:0012265.

Submission:

Labcorp Genetics (formerly Invitae), Labcorp
Classification: Uncertain significance for Primary ciliary dyskinesia. Last evaluated: 2023-04-09. Review status: criteria provided, single submitter. Criteria: Invitae Variant Classification Sherloc (09022015). Collection method: clinical testing. Allele origin: germline.
Comment: In summary, the available evidence is currently insufficient to determine the role of this variant in disease. Therefore, it has been classified as a Variant of Uncertain Significance. Experimental studies and prediction algorithms are not available or were not evaluated, and the functional significance of this variant is currently unknown. This variant has not been reported in the literature in individuals affected with DNAH8-related conditions. This variant is not present in population databases (gnomAD no frequency). This variant, c.8130_8132del, is a complex sequence change that results in the deletion of 2 and insertion of 1 amino acid(s) in the DNAH8 protein (p.Met2710_Phe2711delinsIle).